The following is an entry in ClinVar:

ClinVar aggregate classification (germline): Uncertain significance (1 of 4 stars; one submission).

Allele frequency attached by ClinVar (database versions not stated): TOPMed 0.00001; gnomAD 0.00002; gnomAD exomes 0.00002; ExAC 0.00003; 1000 Genomes Project 30x 0.00031.

Submission:

Labcorp Genetics (formerly Invitae), Labcorp
Classification: Uncertain significance. Last evaluated: 2021-03-16. Review status: criteria provided, single submitter. Criteria: Invitae Variant Classification Sherloc (09022015). Collection method: clinical testing. Allele origin: germline.
Comment: In summary, the available evidence is currently insufficient to determine the role of this variant in disease. Therefore, it has been classified as a Variant of Uncertain Significance. Algorithms developed to predict the effect of missense changes on protein structure and function are either unavailable or do not agree on the potential impact of this missense change (SIFT: "Deleterious"; PolyPhen-2: "Probably Damaging"; Align-GVGD: "Class C0"). This variant has not been reported in the literature in individuals with VPS13C-related conditions. This variant is present in population databases (rs776038561, ExAC 0.02%). This sequence change replaces alanine with threonine at codon 1217 of the VPS13C protein (p.Ala1217Thr). The alanine residue is moderately conserved and there is a small physicochemical difference between alanine and threonine.

NM_020821.3(VPS13C):c.3649G>A (p.Ala1217Thr)

Gene: VPS13C (vacuolar protein sorting 13 homolog C; minus strand). Cytogenetic location: 15q22.2.
Variant type: single nucleotide variant.
Coding change: c.3649G>A on transcript NM_020821.3 (MANE Select); coding-DNA position 3649, G replaced by A.
Protein change: p.Ala1217Thr; replaces alanine 1217 with threonine.
Molecular consequence: missense variant.
Genome position (GRCh38, 1-based): chr15:61,961,848, C>T on the plus strand (G>A on the coding strand, the complement: VPS13C is on the minus strand). VCF-style: chr15-61961848-C-T. GRCh37 (hg19) VCF-style: chr15-62254047-C-T.
Other names: c.3649G>A, p.Ala1217Thr (NM_001018088.3); c.3520G>A, p.Ala1174Thr (NM_017684.5, NM_018080.4); short protein forms A1174T, A1217T.
Identifiers: ClinVar variation 1399751 (VCV001399751.8), dbSNP rs776038561, ClinGen allele CA7596318.